The following is an entry in ClinVar:

ClinVar aggregate classification (germline): Uncertain significance. Review status: criteria provided, multiple submitters, no conflicts (2 of 4 stars). 5 submissions from 5 submitters: Uncertain significance (3). 2 of the submissions do not count toward it. Last evaluated 2026-01-14.

Conditions:
Autosomal dominant nonsyndromic hearing loss 11. Identifiers: Orphanet 90635, MedGen C1832475, MONDO:0011032, OMIM 601317.
Usher syndrome type 1 (USH1). Also called: RETINITIS PIGMENTOSA AND CONGENITAL DEAFNESS. Identifiers: Orphanet 231169, Orphanet 886, MedGen C1568247, MONDO:0010168, OMIM 276900.
Autosomal recessive nonsyndromic hearing loss 2. Also called: NEUROSENSORY NONSYNDROMIC RECESSIVE DEAFNESS 2; DEAFNESS, AUTOSOMAL RECESSIVE 2. Identifiers: Orphanet 90636, MedGen C1838701, MONDO:0010807, OMIM 600060.

Allele frequency attached by ClinVar (database versions not stated): gnomAD 0.00005 and 0.00006; ExAC 0.00007.
gnomAD v4.1: 63 of 1,609,782 alleles (0.0039%); highest among the groups gnomAD compares: Middle Eastern, 0.017%; no homozygotes.

Submissions (5):

Labcorp Genetics (formerly Invitae), Labcorp
Classification: Uncertain significance. Last evaluated: 2026-01-14. Review status: criteria provided, single submitter. Criteria: Invitae Variant Classification Sherloc (09022015). Collection method: clinical testing. Allele origin: germline.
Comment: This sequence change replaces glutamic acid, which is acidic and polar, with lysine, which is basic and polar, at codon 1917 of the MYO7A protein (p.Glu1917Lys). This variant is present in population databases (rs780609120, gnomAD 0.02%). This variant has not been reported in the literature in individuals affected with MYO7A-related conditions. ClinVar contains an entry for this variant (Variation ID: 1284616). Invitae Evidence Modeling of protein sequence and biophysical properties (such as structural, functional, and spatial information, amino acid conservation, physicochemical variation, residue mobility, and thermodynamic stability) has been performed for this missense variant. However, the output from this modeling did not meet the statistical confidence thresholds required to predict the impact of this variant on MYO7A protein function. In summary, the available evidence is currently insufficient to determine the role of this variant in disease. Therefore, it has been classified as a Variant of Uncertain Significance.

Blueprint Genetics
Classification: Uncertain significance. Last evaluated: 2024-11-11. Review status: criteria provided, single submitter. Criteria: ACMG Guidelines, 2015. Collection method: clinical testing. Allele origin: germline.

Fulgent Genetics
Classification: Uncertain significance for Usher syndrome type 1; Autosomal recessive nonsyndromic hearing loss 2; Autosomal dominant nonsyndromic hearing loss 11. Last evaluated: 2022-01-05. Review status: criteria provided, single submitter. Criteria: ACMG Guidelines, 2015. Collection method: clinical testing. Allele origin: unknown.

Clinical Genetics DNA and cytogenetics Diagnostics Lab, Erasmus MC, Erasmus Medical Center
Classification: Uncertain significance. Review status: no assertion criteria provided. Collection method: clinical testing. Allele origin: germline. Affected: yes. Study: VKGL Data-share Consensus. Not counted in ClinVar's aggregate classification.

Clinical Genetics, Academic Medical Center
Classification: Uncertain significance. Review status: no assertion criteria provided. Collection method: clinical testing. Allele origin: germline. Affected: yes. Study: VKGL Data-share Consensus. Not counted in ClinVar's aggregate classification.

NM_000260.4(MYO7A):c.5749G>A (p.Glu1917Lys)

Gene: MYO7A (myosin VIIA; plus strand). Cytogenetic location: 11q13.5.
Variant type: single nucleotide variant.
Coding change: c.5749G>A on transcript NM_000260.4 (MANE Select); coding-DNA position 5749, G replaced by A.
Protein change: p.Glu1917Lys; replaces glutamic acid 1917 with lysine.
Molecular consequence: missense variant.
Genome position (GRCh38, 1-based): chr11:77,207,295, G>A. VCF-style: chr11-77207295-G-A. GRCh37 (hg19) VCF-style: chr11-76918340-G-A.
Other names: c.5635G>A, p.Glu1879Lys (NM_001127180.2); c.5602G>A, p.Glu1868Lys (NM_001369365.1); short protein forms E1868K, E1879K, E1917K.
Identifiers: ClinVar variation 1284616 (VCV001284616.9), dbSNP rs780609120, ClinGen allele CA6198829.